The following is an entry in ClinVar:

NM_000277.3(PAH):c.842C>G (p.Pro281Arg)

Gene: PAH (phenylalanine hydroxylase; minus strand). Cytogenetic location: 12q23.2.
Variant type: single nucleotide variant.
Coding change: c.842C>G on transcript NM_000277.3 (MANE Select); coding-DNA position 842, C replaced by G.
Protein change: p.Pro281Arg; replaces proline 281 with arginine.
Molecular consequence: missense variant.
Genome position (GRCh38, 1-based): chr12:102,852,815, G>C on the plus strand (C>G on the coding strand, the complement: PAH is on the minus strand). VCF-style: chr12-102852815-G-C. GRCh37 (hg19) VCF-style: chr12-103246593-G-C.
Other names: c.842C>G, p.Pro281Arg (NM_001354304.2); short protein forms P281R.
Identifiers: ClinVar variation 1458269 (VCV001458269.9), dbSNP rs5030851, ClinGen allele CA16020868.

ClinVar aggregate classification (germline): Pathogenic. Review status: criteria provided, multiple submitters, no conflicts (2 of 4 stars). 2 submissions from 2 submitters: Pathogenic (2). Last evaluated 2026-09-01.

Conditions:
Phenylketonuria (PKU). Also called: OLIGOPHRENIA PHENYLPYRUVICA; Phenylketonurias; FOLLING DISEASE; Phenylketonuria (PKU). Identifiers: Orphanet 716, MedGen C0031485, MONDO:0009861, OMIM 261600. Disease mechanism: loss of function.

Submissions (2):

CeGaT Center for Human Genetics Tuebingen
Classification: Pathogenic. Last evaluated: 2026-09-01. Review status: criteria provided, single submitter. Criteria: CeGaT Center For Human Genetics Tuebingen Variant Classification Criteria Version 2. Collection method: clinical testing. Allele origin: germline. Affected: yes. Observed: 1 variant allele.
Comment: PAH: PM3:Very Strong, PM1, PM2, PM5, PP4:Moderate, PP3

Labcorp Genetics (formerly Invitae), Labcorp
Classification: Pathogenic for Phenylketonuria. Last evaluated: 2022-04-14. Review status: criteria provided, single submitter. Criteria: Invitae Variant Classification Sherloc (09022015). Collection method: clinical testing. Allele origin: germline.
Comment: For these reasons, this variant has been classified as Pathogenic. Experimental studies have shown that this missense change affects PAH function (PMID: 9450897). Algorithms developed to predict the effect of missense changes on protein structure and function are either unavailable or do not agree on the potential impact of this missense change (SIFT: "Not Available"; PolyPhen-2: "Probably Damaging"; Align-GVGD: "Not Available"). This missense change has been observed in individual(s) with hyperphenylalaninemia (PMID: 12409276, 21147011, 27264808). This variant is not present in population databases (gnomAD no frequency). This sequence change replaces proline, which is neutral and non-polar, with arginine, which is basic and polar, at codon 281 of the PAH protein (p.Pro281Arg).

Literature cited by the submitters: PubMed 9450897 (cited by Labcorp Genetics (formerly Invitae), Labcorp); PubMed 12409276 (cited by Labcorp Genetics (formerly Invitae), Labcorp); PubMed 21147011 (cited by Labcorp Genetics (formerly Invitae), Labcorp); PubMed 27264808 (cited by Labcorp Genetics (formerly Invitae), Labcorp).